The following is an entry in ClinVar:

NM_003718.5(CDK13):c.1214G>A (p.Arg405Gln)

Gene: CDK13 (cyclin dependent kinase 13; plus strand). Cytogenetic location: 7p14.1.
Variant type: single nucleotide variant.
Coding change: c.1214G>A on transcript NM_003718.5 (MANE Select); coding-DNA position 1214, G replaced by A.
Protein change: p.Arg405Gln; replaces arginine 405 with glutamine.
Molecular consequence: missense variant.
Genome position (GRCh38, 1-based): chr7:39,987,601, G>A. VCF-style: chr7-39987601-G-A. GRCh37 (hg19) VCF-style: chr7-40027200-G-A.
Other names: c.1214G>A, p.Arg405Gln (NM_031267.4); short protein forms R405Q.
Identifiers: ClinVar variation 2881813 (VCV002881813.3), dbSNP rs144363703, ClinGen allele CA4228455.

ClinVar aggregate classification (germline): Uncertain significance (1 of 4 stars; one submission).

Allele frequency attached by ClinVar (database versions not stated): gnomAD 0.00001; ExAC 0.00002; ESP Exome Variant Server 0.00008; 1000 Genomes Project 30x 0.00016.

Submission:

Labcorp Genetics (formerly Invitae), Labcorp
Classification: Uncertain significance. Last evaluated: 2023-03-26. Review status: criteria provided, single submitter. Criteria: Invitae Variant Classification Sherloc (09022015). Collection method: clinical testing. Allele origin: germline.
Comment: This variant is present in population databases (rs144363703, gnomAD 0.001%). This sequence change replaces arginine, which is basic and polar, with glutamine, which is neutral and polar, at codon 405 of the CDK13 protein (p.Arg405Gln). This variant has not been reported in the literature in individuals affected with CDK13-related conditions. In summary, the available evidence is currently insufficient to determine the role of this variant in disease. Therefore, it has been classified as a Variant of Uncertain Significance. Algorithms developed to predict the effect of sequence changes on RNA splicing suggest that this variant may create or strengthen a splice site. Experimental studies and prediction algorithms are not available or were not evaluated, and the functional significance of this variant is currently unknown.